The following is an entry in ClinVar:

NM_005751.5(AKAP9):c.10799G>A (p.Ser3600Asn)

Gene: AKAP9 (A-kinase anchoring protein 9; plus strand). Cytogenetic location: 7q21.2.
Variant type: single nucleotide variant.
Coding change: c.10799G>A on transcript NM_005751.5 (MANE Select); coding-DNA position 10799, G replaced by A.
Protein change: p.Ser3600Asn; replaces serine 3600 with asparagine.
Molecular consequence: missense variant.
Genome position (GRCh38, 1-based): chr7:92,099,772, G>A. VCF-style: chr7-92099772-G-A. GRCh37 (hg19) VCF-style: chr7-91729086-G-A.
Other names: c.5444G>A, p.Ser1815Asn (NM_001379277.1); c.10775G>A, p.Ser3592Asn (NM_147185.3); short protein forms S1815N, S3592N, S3600N.
Identifiers: ClinVar variation 3225004 (VCV003225004.3), dbSNP rs2535308732, ClinGen allele CA368158683.

ClinVar aggregate classification (germline): Uncertain significance. Review status: criteria provided, multiple submitters, no conflicts (2 of 4 stars). 3 submissions from 3 submitters: Uncertain significance (3). Last evaluated 2025-04-08.

Conditions:
Long QT syndrome (LQTS). Identifiers: MedGen C0023976, MeSH D008133, MONDO:0002442. Disease mechanism: loss of function. Inheritance: Various modes of inheritance.
Cardiovascular phenotype. Identifiers: MedGen CN230736.

Allele frequency attached by ClinVar (database versions not stated): gnomAD exomes below 0.00001.
gnomAD v4.1: 7 of 1,614,080 alleles (0.00043%); highest among the groups gnomAD compares: Non-Finnish European, 0.00059%; no homozygotes.

Submissions (3):

Labcorp Genetics (formerly Invitae), Labcorp
Classification: Uncertain significance for Long QT syndrome. Last evaluated: 2025-04-08. Review status: criteria provided, single submitter. Criteria: Invitae Variant Classification Sherloc (09022015). Collection method: clinical testing. Allele origin: germline.
Comment: This sequence change replaces serine, which is neutral and polar, with asparagine, which is neutral and polar, at codon 3600 of the AKAP9 protein (p.Ser3600Asn). This variant is not present in population databases (gnomAD no frequency). This variant has not been reported in the literature in individuals affected with AKAP9-related conditions. ClinVar contains an entry for this variant (Variation ID: 3225004). An algorithm developed to predict the effect of missense changes on protein structure and function outputs the following: PolyPhen-2: "Possibly Damaging". The asparagine amino acid residue is found in multiple mammalian species, which suggests that this missense change does not adversely affect protein function. In summary, the available evidence is currently insufficient to determine the role of this variant in disease. Therefore, it has been classified as a Variant of Uncertain Significance.

Women's Health and Genetics/Laboratory Corporation of America, LabCorp
Classification: Uncertain significance. Last evaluated: 2025-02-03. Review status: criteria provided, single submitter. Criteria: LabCorp Variant Classification Summary - May 2015. Collection method: clinical testing. Allele origin: germline.
Comment: Variant summary: AKAP9 c.10799G>A (p.Ser3600Asn) results in a conservative amino acid change in the encoded protein sequence. Four of five in-silico tools predict a benign effect of the variant on protein function. The variant was absent in 251390 control chromosomes. The available data on variant occurrences in the general population are insufficient to allow any conclusion about variant significance. To our knowledge, no occurrence of c.10799G>A in individuals affected with Long QT Syndrome and no experimental evidence demonstrating its impact on protein function have been reported. ClinVar contains an entry for this variant (Variation ID: 3225004). Based on the evidence outlined above, the variant was classified as uncertain significance.

Ambry Genetics
Classification: Uncertain significance for Cardiovascular phenotype. Last evaluated: 2024-03-13. Review status: criteria provided, single submitter. Criteria: Ambry Variant Classification Scheme 2023. Collection method: clinical testing. Allele origin: germline.
Comment: The p.S3600N variant (also known as c.10799G>A), located in coding exon 44 of the AKAP9 gene, results from a G to A substitution at nucleotide position 10799. The serine at codon 3600 is replaced by asparagine, an amino acid with highly similar properties. This amino acid position is conserved. In addition, this alteration is predicted to be tolerated by in silico analysis. Based on the available evidence, the clinical significance of this alteration remains unclear.